The following is an entry in ClinVar:

NM_001267550.2(TTN):c.49649-11T>C

Genes: TTN (titin; minus strand), TTN-AS1 (TTN antisense RNA 1; plus strand). Cytogenetic location: 2q31.2.
Variant type: single nucleotide variant.
Coding change: c.49649-11T>C on transcript NM_001267550.2 (MANE Select); 11 bases into the intron before coding-DNA position 49649, T replaced by C.
Molecular consequence: intron variant.
Genome position (GRCh38, 1-based): chr2:178,613,083, A>G on the plus strand (T>C on the coding strand, the complement: TTN is on the minus strand). VCF-style: chr2-178613083-A-G. GRCh37 (hg19) VCF-style: chr2-179477810-A-G.
Other names: c.22454-11T>C (NM_003319.4); c.23030-11T>C (NM_133437.4); c.22829-11T>C (NM_133432.3); c.41945-11T>C (NM_133378.4); c.44726-11T>C (NM_001256850.1).
Identifiers: ClinVar variation 178830 (VCV000178830.19), dbSNP rs727504474, ClinGen allele CA183116.

ClinVar aggregate classification (germline): Conflicting classifications of pathogenicity. Review status: criteria provided, conflicting classifications (1 of 4 stars). 7 submissions from 7 submitters: Uncertain significance (2); Likely benign (2). 3 of the submissions do not count toward it. Last evaluated 2026-01-14.

Conditions:
Dilated cardiomyopathy 1G (CMD1G). Identifiers: Orphanet 154, MedGen C1858763, MONDO:0011400, OMIM 604145.
Autosomal recessive limb-girdle muscular dystrophy type 2J (LGMDR10). Also called: Limb-girdle muscular dystrophy, type 2J; MUSCULAR DYSTROPHY, LIMB-GIRDLE, AUTOSOMAL RECESSIVE 10. Identifiers: Orphanet 140922, MedGen C1837342, MONDO:0012127, OMIM 608807.

Allele frequency attached by ClinVar (database versions not stated): gnomAD 0.00005; gnomAD exomes 0.00005; TOPMed 0.00005; ExAC 0.00008.
gnomAD v4.1: 75 of 1,612,246 alleles (0.0047%); highest among the groups gnomAD compares: Admixed American, 0.0067%; 1 homozygote.

Submissions (7):

Labcorp Genetics (formerly Invitae), Labcorp
Classification: Likely benign for Dilated cardiomyopathy 1G; Autosomal recessive limb-girdle muscular dystrophy type 2J. Last evaluated: 2026-01-14. Review status: criteria provided, single submitter. Criteria: Invitae Variant Classification Sherloc (09022015). Collection method: clinical testing. Allele origin: germline.

Women's Health and Genetics/Laboratory Corporation of America, LabCorp
Classification: Likely benign. Last evaluated: 2025-12-29. Review status: criteria provided, single submitter. Criteria: LabCorp Variant Classification Summary - May 2015. Collection method: clinical testing. Allele origin: germline.

GeneDx
Classification: Uncertain significance. Last evaluated: 2024-04-16. Review status: criteria provided, single submitter. Criteria: GeneDx Variant Classification Process June 2021. Collection method: clinical testing. Allele origin: germline. Affected: yes.
Comment: Has not been previously published as pathogenic or benign to our knowledge; In silico analysis is inconclusive as to whether the variant alters gene splicing. In the absence of RNA/functional studies, the actual effect of this sequence change is unknown.; Located in the A-band region of TTN in which the majority of loss of function variants have been associated with autosomal dominant titinopathies (PMID: 22335739)

Laboratory for Molecular Medicine, Mass General Brigham Personalized Medicine
Classification: Uncertain significance. Last evaluated: 2013-04-02. Review status: criteria provided, single submitter. Criteria: LMM Criteria. Collection method: clinical testing. Allele origin: germline. Observed: 2 variant alleles.
Comment: This variant has not been identified in large European American and African American populations by the NHLBI Exome Sequencing Project, though it may be present in other populations. It is located in the 3' splice region. Computational tools do not s uggest an impact to splicing, though this information is not predictive enough t o rule out pathogenicity. Additional information is needed to fully assess the c linical significance of this variant.

Clinical Genetics, Academic Medical Center
Classification: Benign. Review status: no assertion criteria provided. Collection method: clinical testing. Allele origin: germline. Affected: yes. Study: VKGL Data-share Consensus. Not counted in ClinVar's aggregate classification.

Genome Diagnostics Laboratory, University Medical Center Utrecht
Classification: Likely benign. Review status: no assertion criteria provided. Collection method: clinical testing. Allele origin: germline. Affected: yes. Study: VKGL Data-share Consensus. Not counted in ClinVar's aggregate classification.

Joint Genome Diagnostic Labs from Nijmegen and Maastricht, Radboudumc and MUMC+
Classification: Likely benign. Review status: no assertion criteria provided. Collection method: clinical testing. Allele origin: germline. Affected: yes. Study: VKGL Data-share Consensus. Not counted in ClinVar's aggregate classification.